The following is an entry in ClinVar:

ClinVar aggregate classification (germline): Uncertain significance (1 of 4 stars; one submission).

Conditions:
Progressive myoclonic epilepsy type 5. Identifiers: Orphanet 402082, MedGen C5190799.

gnomAD v4.1: 2 of 1,598,914 alleles (0.00013%); highest among the groups gnomAD compares: Admixed American, 0.0017%; no homozygotes.

Submission:

Labcorp Genetics (formerly Invitae), Labcorp
Classification: Uncertain significance for Progressive myoclonic epilepsy type 5. Last evaluated: 2025-10-02. Review status: criteria provided, single submitter. Criteria: Invitae Variant Classification Sherloc (09022015). Collection method: clinical testing. Allele origin: germline.
Comment: This sequence change replaces phenylalanine, which is neutral and non-polar, with leucine, which is neutral and non-polar, at codon 726 of the PRICKLE2 protein (p.Phe726Leu). This variant is not present in population databases (gnomAD no frequency). This variant has not been reported in the literature in individuals affected with PRICKLE2-related conditions. Invitae Evidence Modeling of protein sequence and biophysical properties (such as structural, functional, and spatial information, amino acid conservation, physicochemical variation, residue mobility, and thermodynamic stability) indicates that this missense variant is not expected to disrupt PRICKLE2 protein function with a negative predictive value of 80%. In summary, the available evidence is currently insufficient to determine the role of this variant in disease. Therefore, it has been classified as a Variant of Uncertain Significance.

NM_198859.4(PRICKLE2):c.2176T>C (p.Phe726Leu)

Genes: PRICKLE2 (prickle planar cell polarity protein 2; minus strand), PRICKLE2-AS1 (PRICKLE2 antisense RNA 1; plus strand). Cytogenetic location: 3p14.1.
Variant type: single nucleotide variant.
Coding change: c.2176T>C on transcript NM_198859.4 (MANE Select); coding-DNA position 2176, T replaced by C.
Protein change: p.Phe726Leu; replaces phenylalanine 726 with leucine.
Molecular consequence: missense variant. On other transcripts: non-coding transcript variant (1).
Genome position (GRCh38, 1-based): chr3:64,099,410, A>G on the plus strand (T>C on the coding strand, the complement: PRICKLE2 is on the minus strand). VCF-style: chr3-64099410-A-G. GRCh37 (hg19) VCF-style: chr3-64085086-A-G.
Other names: c.2176T>C, p.Phe726Leu (NM_001370528.1); short protein forms F726L.
Identifiers: ClinVar variation 4746513 (VCV004746513.1).